The following is an entry in ClinVar:

NM_018344.6(SLC29A3):c.366C>A (p.Asn122Lys)

Genes: SLC29A3 (solute carrier family 29 member 3; plus strand), LOC105378353 (uncharacterized LOC105378353; minus strand). Cytogenetic location: 10q22.1.
Variant type: single nucleotide variant.
Coding change: c.366C>A on transcript NM_018344.6 (MANE Select); coding-DNA position 366, C replaced by A.
Protein change: p.Asn122Lys; replaces asparagine 122 with lysine.
Molecular consequence: missense variant.
Genome position (GRCh38, 1-based): chr10:71,344,274, C>A. VCF-style: chr10-71344274-C-A. GRCh37 (hg19) VCF-style: chr10-73104031-C-A.
Other names: c.366C>A, p.Asn122Lys (NM_001174098.2); c.132C>A, p.Asn44Lys (NM_001363518.2); short protein forms N122K, N44K.
Identifiers: ClinVar variation 659845 (VCV000659845.6), dbSNP rs1327430777, ClinGen allele CA377129646.
Genomic context (GRCh38, chr10:71,344,274, plus strand): 5'-CTTTGAGAGCTACCTTGCCGTTGCCTCCACCGTGCCCTCCATGCTGTGCCTGGTGGCCAA[C>A]TTCCTGCTTGTCAACAGGTAGGCGACTCTCTTCCCTCTCTCAGGCCTCTGCCTTGGTCTC-3'
Protein context (NP_060814.4, residues 112-132): TVPSMLCLVA[Asn122Lys]FLLVNRVAVH

ClinVar aggregate classification (germline): Uncertain significance (1 of 4 stars; one submission).

Conditions:
H syndrome. Also called: Histiocytosis with joint contractures and sensorineural deafness; Pigmented hypertrichosis and insulin-dependent diabetes mellitus; HISTIOCYTOSIS AND LYMPHADENOPATHY WITH OR WITHOUT CUTANEOUS, CARDIAC, AND/OR ENDOCRINE FEATURES, JOINT CONTRACTURES, AND/OR DEAFNESS; HYPERPIGMENTATION, CUTANEOUS, WITH HYPERTRICHOSIS, HEPATOSPLENOMEGALY, HEART ANOMALIES, AND HYPOGONADISM WITH OR WITHOUT HEARING LOSS; PIGMENTED HYPERTRICHOSIS WITH INSULIN-DEPENDENT DIABETES MELLITUS; ROSAI-DORFMAN DISEASE, FAMILIAL. Identifiers: Orphanet 168569, MedGen C1864445, MONDO:0011273, OMIM 602782.

Allele frequency attached by ClinVar (database versions not stated): gnomAD exomes below 0.00001.
gnomAD v4.1: 2 of 1,613,982 alleles (0.00012%); highest among the groups gnomAD compares: South Asian, 0.0011%; no homozygotes.

Submission:

Labcorp Genetics (formerly Invitae), Labcorp
Classification: Uncertain significance for H syndrome. Last evaluated: 2022-05-16. Review status: criteria provided, single submitter. Criteria: Invitae Variant Classification Sherloc (09022015). Collection method: clinical testing. Allele origin: germline.
Comment: This sequence change replaces asparagine, which is neutral and polar, with lysine, which is basic and polar, at codon 122 of the SLC29A3 protein (p.Asn122Lys). This variant is present in population databases (no rsID available, gnomAD 0.0009%). This variant has not been reported in the literature in individuals affected with SLC29A3-related conditions. ClinVar contains an entry for this variant (Variation ID: 659845). Algorithms developed to predict the effect of missense changes on protein structure and function are either unavailable or do not agree on the potential impact of this missense change (SIFT: "Deleterious"; PolyPhen-2: "Probably Damaging"; Align-GVGD: "Class C0"). In summary, the available evidence is currently insufficient to determine the role of this variant in disease. Therefore, it has been classified as a Variant of Uncertain Significance.